The following is an entry in ClinVar:

NM_002546.4(TNFRSF11B):c.946A>G (p.Ile316Val)

Gene: TNFRSF11B (TNF receptor superfamily member 11b; minus strand). Cytogenetic location: 8q24.12.
Variant type: single nucleotide variant.
Coding change: c.946A>G on transcript NM_002546.4 (MANE Select); coding-DNA position 946, A replaced by G.
Protein change: p.Ile316Val; replaces isoleucine 316 with valine.
Molecular consequence: missense variant.
Genome position (GRCh38, 1-based): chr8:118,924,634, T>C on the plus strand (A>G on the coding strand, the complement: TNFRSF11B is on the minus strand). VCF-style: chr8-118924634-T-C. GRCh37 (hg19) VCF-style: chr8-119936873-T-C.
Other names: c.946A>G (NM_002546.3); short protein forms I316V.
Identifiers: ClinVar variation 1406027 (VCV001406027.10), dbSNP rs768245778, ClinGen allele CA4854793.

ClinVar aggregate classification (germline): Uncertain significance. Review status: criteria provided, multiple submitters, no conflicts (2 of 4 stars). 2 submissions from 2 submitters: Uncertain significance (2). Last evaluated 2025-09-24.

Conditions:
Inborn genetic diseases. Identifiers: MedGen C0950123, MeSH D030342.

Allele frequency attached by ClinVar (database versions not stated): gnomAD exomes below 0.00001 and 0.00001; ExAC 0.00001; TOPMed 0.00003; gnomAD 0.00004.

Submissions (2):

Ambry Genetics
Classification: Uncertain significance for Inborn genetic diseases. Last evaluated: 2025-09-24. Review status: criteria provided, single submitter. Criteria: Ambry Variant Classification Scheme 2023. Collection method: clinical testing. Allele origin: germline.

Labcorp Genetics (formerly Invitae), Labcorp
Classification: Uncertain significance. Last evaluated: 2022-07-26. Review status: criteria provided, single submitter. Criteria: Invitae Variant Classification Sherloc (09022015). Collection method: clinical testing. Allele origin: germline.
Comment: Algorithms developed to predict the effect of missense changes on protein structure and function output the following: SIFT: "Tolerated"; PolyPhen-2: "Benign"; Align-GVGD: "Class C0". The valine amino acid residue is found in multiple mammalian species, which suggests that this missense change does not adversely affect protein function. This sequence change replaces isoleucine, which is neutral and non-polar, with valine, which is neutral and non-polar, at codon 316 of the TNFRSF11B protein (p.Ile316Val). This variant is present in population databases (rs768245778, gnomAD 0.003%). This variant has not been reported in the literature in individuals affected with TNFRSF11B-related conditions. ClinVar contains an entry for this variant (Variation ID: 1406027). In summary, the available evidence is currently insufficient to determine the role of this variant in disease. Therefore, it has been classified as a Variant of Uncertain Significance.